The following is an entry in ClinVar:

NM_000812.4(GABRB1):c.236A>G (p.Asn79Ser)

Gene: GABRB1 (gamma-aminobutyric acid type A receptor subunit beta1; plus strand). Cytogenetic location: 4p12.
Variant type: single nucleotide variant.
Coding change: c.236A>G on transcript NM_000812.4 (MANE Select); coding-DNA position 236, A replaced by G.
Protein change: p.Asn79Ser; replaces asparagine 79 with serine.
Molecular consequence: missense variant.
Genome position (GRCh38, 1-based): chr4:47,032,480, A>G. VCF-style: chr4-47032480-A-G. GRCh37 (hg19) VCF-style: chr4-47034497-A-G.
Other names: short protein forms N79S.
Identifiers: ClinVar variation 2055928 (VCV002055928.4), dbSNP rs2475085590, ClinGen allele CA356805657.

ClinVar aggregate classification (germline): Uncertain significance (1 of 4 stars; one submission).

Submission:

Labcorp Genetics (formerly Invitae), Labcorp
Classification: Uncertain significance. Last evaluated: 2021-12-23. Review status: criteria provided, single submitter. Criteria: Invitae Variant Classification Sherloc (09022015). Collection method: clinical testing. Allele origin: germline.
Comment: This sequence change replaces asparagine, which is neutral and polar, with serine, which is neutral and polar, at codon 79 of the GABRB1 protein (p.Asn79Ser). This variant is not present in population databases (gnomAD no frequency). This variant has not been reported in the literature in individuals affected with GABRB1-related conditions. Algorithms developed to predict the effect of missense changes on protein structure and function are either unavailable or do not agree on the potential impact of this missense change (SIFT: "Deleterious"; PolyPhen-2: "Benign"; Align-GVGD: "Class C0"). Algorithms developed to predict the effect of sequence changes on RNA splicing suggest that this variant may create or strengthen a splice site. In summary, the available evidence is currently insufficient to determine the role of this variant in disease. Therefore, it has been classified as a Variant of Uncertain Significance.